The following is an entry in ClinVar:

ClinVar aggregate classification (germline): Pathogenic. Review status: criteria provided, multiple submitters, no conflicts (2 of 4 stars). 3 submissions from 3 submitters: Pathogenic (3). Last evaluated 2024-02-01.

Conditions:
EYS-related disorder. Also called: EYS-related condition.

Allele frequency attached by ClinVar (database versions not stated): gnomAD 0.00001; TOPMed 0.00001; ESP Exome Variant Server 0.00015.
gnomAD v4.1: 3 of 1,613,908 alleles (0.00019%); highest among the groups gnomAD compares: Non-Finnish European, 0.00017%; no homozygotes.

Submissions (3):

Labcorp Genetics (formerly Invitae), Labcorp
Classification: Pathogenic. Last evaluated: 2024-02-01. Review status: criteria provided, single submitter. Criteria: Invitae Variant Classification Sherloc (09022015). Collection method: clinical testing. Allele origin: germline.
Comment: This sequence change creates a premature translational stop signal (p.Gln212*) in the EYS gene. It is expected to result in an absent or disrupted protein product. Loss-of-function variants in EYS are known to be pathogenic (PMID: 18836446, 20333770). This variant is not present in population databases (gnomAD no frequency). This variant has not been reported in the literature in individuals affected with EYS-related conditions. ClinVar contains an entry for this variant (Variation ID: 986886). For these reasons, this variant has been classified as Pathogenic.

Blueprint Genetics
Classification: Pathogenic for EYS-related disorders. Last evaluated: 2024-01-15. Review status: criteria provided, single submitter. Criteria: ACMG Guidelines, 2015. Collection method: clinical testing. Allele origin: germline. Affected: yes. Observed: 5 variant alleles.

Institute of Medical Genetics and Applied Genomics, University Hospital Tübingen
Classification: Pathogenic. Last evaluated: 2020-10-23. Review status: criteria provided, single submitter. Criteria: ACMG Guidelines, 2015. Collection method: clinical testing. Allele origin: germline. Inheritance: Unknown mechanism. Affected: yes.

Literature cited by the submitters: PubMed 18836446 (cited by Labcorp Genetics (formerly Invitae), Labcorp); PubMed 20333770 (cited by Labcorp Genetics (formerly Invitae), Labcorp).

NM_001142800.2(EYS):c.634C>T (p.Gln212Ter)

Gene: EYS (EGF-like photoreceptor maintenance factor; minus strand). Cytogenetic location: 6q12.
Variant type: single nucleotide variant.
Coding change: c.634C>T on transcript NM_001142800.2 (MANE Select); coding-DNA position 634, C replaced by T.
Protein change: p.Gln212Ter; replaces glutamine 212 with a stop codon.
Molecular consequence: nonsense.
Genome position (GRCh38, 1-based): chr6:65,494,777, G>A on the plus strand (C>T on the coding strand, the complement: EYS is on the minus strand). VCF-style: chr6-65494777-G-A. GRCh37 (hg19) VCF-style: chr6-66204670-G-A.
Other names: c.634C>T, p.Gln212Ter (NM_001142801.2, NM_001292009.2, NM_198283.2); short protein forms Q212*.
Identifiers: ClinVar variation 986886 (VCV000986886.10), dbSNP rs371915861, ClinGen allele CA140434955.
Genomic context (GRCh38, chr6:65,494,777, plus strand): 5'-TTTTATTAATGCAACTGCCATTATTTTTACATGGTTTAAAAGAACATGCATCAAGTTCCT[G>A]GCAGTATTTTCCAGAAAATGGAGGCTGGCAATGGCAGCTATATGTCTTGCTCCAAGCTTC-3'